The following is an entry in ClinVar:

NM_001190274.2(FBXO11):c.1582G>A (p.Val528Ile)

Gene: FBXO11 (F-box protein 11; minus strand). Cytogenetic location: 2p16.3.
Variant type: single nucleotide variant.
Coding change: c.1582G>A on transcript NM_001190274.2 (MANE Select); coding-DNA position 1582, G replaced by A.
Protein change: p.Val528Ile; replaces valine 528 with isoleucine.
Molecular consequence: missense variant.
Genome position (GRCh38, 1-based): chr2:47,823,177, C>T on the plus strand (G>A on the coding strand, the complement: FBXO11 is on the minus strand). VCF-style: chr2-47823177-C-T. GRCh37 (hg19) VCF-style: chr2-48050316-C-T.
Other names: c.1330G>A, p.Val444Ile (NM_001374325.1, NM_025133.4); short protein forms V444I, V528I.
Identifiers: ClinVar variation 3343345 (VCV003343345.2).

ClinVar aggregate classification (germline): Uncertain significance (1 of 4 stars; one submission).

Submission:

GeneDx
Classification: Uncertain significance. Last evaluated: 2024-10-29. Review status: criteria provided, single submitter. Criteria: GeneDx Variant Classification Process June 2021. Collection method: clinical testing. Allele origin: germline.
Comment: Not observed at significant frequency in large population cohorts (gnomAD); In silico analysis supports a deleterious effect on splicing; In silico analysis indicates that this missense variant does not alter protein structure/function; Has not been previously published as pathogenic or benign to our knowledge